The following is an entry in ClinVar:

ClinVar aggregate classification (germline): Likely benign. Review status: criteria provided, single submitter (1 of 4 stars). 2 submissions from 2 submitters: Likely benign (1). 1 of the submissions does not count toward it. Last evaluated 2023-07-30.

Conditions:
NTRK2-related disorder. Also called: NTRK2-related condition.

Allele frequency attached by ClinVar (database versions not stated): gnomAD 0.00001; gnomAD exomes 0.00001; TOPMed 0.00002.
gnomAD v4.1: 4 of 1,613,796 alleles (0.00025%); highest among the groups gnomAD compares: Non-Finnish European, 0.00034%; no homozygotes.

Submissions (2):

Labcorp Genetics (formerly Invitae), Labcorp
Classification: Likely benign. Last evaluated: 2023-07-30. Review status: criteria provided, single submitter. Criteria: Invitae Variant Classification Sherloc (09022015). Collection method: clinical testing. Allele origin: germline.

PreventionGenetics, part of Exact Sciences
Classification: Likely benign for NTRK2-related condition. Last evaluated: 2020-12-03. Review status: no assertion criteria provided. Collection method: clinical testing. Allele origin: germline. Not counted in ClinVar's aggregate classification.
Comment: This variant is classified as likely benign based on ACMG/AMP sequence variant interpretation guidelines (Richards et al. 2015 PMID: 25741868, with internal and published modifications).

NM_006180.6(NTRK2):c.1608C>T (p.Thr536=)

Gene: NTRK2 (neurotrophic receptor tyrosine kinase 2; plus strand). Cytogenetic location: 9q21.33.
Variant type: single nucleotide variant.
Coding change: c.1608C>T on transcript NM_006180.6 (MANE Select); coding-DNA position 1608, C replaced by T.
Protein change: p.Thr536=; no amino-acid change (threonine 536 retained).
Molecular consequence: synonymous variant.
Genome position (GRCh38, 1-based): chr9:84,867,406, C>T. VCF-style: chr9-84867406-C-T. GRCh37 (hg19) VCF-style: chr9-87482321-C-T.
Other names: c.1560C>T, p.Thr520= (NM_001018064.3, NM_001018066.3, NM_001369532.1 and 2 more transcripts); c.1608C>T, p.Thr536= (NM_001018065.2, NM_001369537.1); c.1524C>T, p.Thr508= (NM_001369534.1); c.1092C>T, p.Thr364= (NM_001369535.1); c.1140C>T, p.Thr380= (NM_001369536.1); c.1608C>T (NM_006180.4).
Identifiers: ClinVar variation 1578000 (VCV001578000.10), dbSNP rs1231824197, ClinGen allele CA465894692.